The following is an entry in ClinVar:

ClinVar aggregate classification (germline): Likely pathogenic (1 of 4 stars; one submission).

Submission:

GeneDx
Classification: Likely pathogenic. Last evaluated: 2024-04-29. Review status: criteria provided, single submitter. Criteria: GeneDx Variant Classification Process June 2021. Collection method: clinical testing. Allele origin: germline. Affected: yes.
Comment: Canonical splice site variant predicted to result in a null allele in a gene for which loss of function is a known mechanism of disease; Not observed at significant frequency in large population cohorts (gnomAD); Has not been previously published as pathogenic or benign to our knowledge

NM_015215.4(CAMTA1):c.4370+1G>A

Gene: CAMTA1 (calmodulin binding transcription activator 1; plus strand). Cytogenetic location: 1p36.23.
Variant type: single nucleotide variant.
Coding change: c.4370+1G>A on transcript NM_015215.4 (MANE Select); the canonical splice donor site of the intron after coding-DNA position 4370, G replaced by A.
Molecular consequence: splice donor variant.
Genome position (GRCh38, 1-based): chr1:7,745,023, G>A. VCF-style: chr1-7745023-G-A. GRCh37 (hg19) VCF-style: chr1-7805083-G-A.
Other names: c.4031+1G>A (NM_001349609.2, NM_001349610.2, NM_001410737.1); c.3959+1G>A (NM_001410738.1); c.4280+1G>A (NM_001349608.2); c.3941+1G>A (NM_001349612.2); c.1442+1G>A (NM_001349614.1, NM_001349617.1, NM_001349616.2 and 2 more transcripts); c.1103+1G>A (NM_001349620.1, NM_001349621.1, NM_001349625.2 and 5 more transcripts); c.1499+1G>A (NM_001349613.1).
Identifiers: ClinVar variation 3375754 (VCV003375754.1).
Genomic context (GRCh38, chr1:7,745,023, plus strand): 5'-GAGCTGGCTGGCCAGTTATCTAGCGGATGCTGACTGCCTTCCCAGTGCTGCCCAGATCCG[G>A]TGAGTAAAGTTACGGAGGTCACTACCCAGCATAGATTCCCGGATGTAATTGGAGGCAGGG-3'